The following is an entry in ClinVar:

ClinVar aggregate classification (germline): Conflicting classifications of pathogenicity. Review status: criteria provided, conflicting classifications (1 of 4 stars). 3 submissions from 2 submitters: Uncertain significance (2); Benign (1). Last evaluated 2018-01-13.

Conditions:
Familial hyperinsulinism. Also called: Congenital hyperinsulinism. Identifiers: Orphanet 276525, MedGen C3888018, MONDO:0017182. Disease mechanism: loss of function.
Maturity-onset diabetes of the young (MODY). Also called: Maturity onset diabetes mellitus in young. Identifiers: Orphanet 552, MedGen C0342276, MONDO:0018911, HP:0004904.
Maturity-onset diabetes of the young type 1. Also called: MILD JUVENILE DIABETES MELLITUS; MODY, type I; MODY type 1; Diabetes mellitus MODY type 1; MODY HNF4A related; HNF4A-Related Maturity-Onset Diabetes of the Young Type 1. Identifiers: Orphanet 552, MedGen C1852093, MONDO:0007452, OMIM 125850. Disease mechanism: loss of function.

Submissions (3):

Illumina Laboratory Services, Illumina
Classification: Uncertain significance for Familial hyperinsulinism. Last evaluated: 2018-01-13. Review status: criteria provided, single submitter. Criteria: ICSL Variant Classification Criteria 13 December 2019. Collection method: clinical testing. Allele origin: germline.

Illumina Laboratory Services, Illumina
Classification: Uncertain significance for Maturity-onset diabetes of the young type 1. Last evaluated: 2018-01-13. Review status: criteria provided, single submitter. Criteria: ICSL Variant Classification Criteria 13 December 2019. Collection method: clinical testing. Allele origin: germline.

Clinical Genomics, Uppaluri K&H Personalized Medicine Clinic
Classification: Benign for Maturity-onset diabetes of the young. Review status: criteria provided, single submitter. Criteria: K & H Uppaluri Personalized Medicine Clinic Variant Classification & Assertion Criteria_Updated V.1. Collection method: research. Allele origin: unknown. Inheritance: Autosomal dominant inheritance.
Comment: Potent mutations in HNF4A are associated with poor insulin secretion in response to hyperglycemia. Associated with MODY1. Patients initially respond well to sulfonylureas but eventually become insulin dependent. However, more evidence is required to ascertain the role of this particular variant rs886056687 in MODY, yet.

Literature cited by the submitters: PubMed 18268044 (cited by Clinical Genomics, Uppaluri K&H Personalized Medicine Clinic); PubMed 17563455 (cited by Clinical Genomics, Uppaluri K&H Personalized Medicine Clinic); PubMed 32583173 (cited by Clinical Genomics, Uppaluri K&H Personalized Medicine Clinic); PubMed 35052457 (cited by Clinical Genomics, Uppaluri K&H Personalized Medicine Clinic); PubMed 35118593 (cited by Clinical Genomics, Uppaluri K&H Personalized Medicine Clinic); DOI 10.1159/000334532 (cited by Clinical Genomics, Uppaluri K&H Personalized Medicine Clinic).

NM_175914.5(HNF4A):c.*2167T>G

Gene: HNF4A (hepatocyte nuclear factor 4 alpha; plus strand). Cytogenetic location: 20q13.12.
Variant type: single nucleotide variant.
Coding change: c.*2167T>G on transcript NM_175914.5 (MANE Select); 2167 bases downstream of the stop codon, T replaced by G.
Molecular consequence: 3 prime UTR variant.
Genome position (GRCh38, 1-based): chr20:44,431,832, T>G. VCF-style: chr20-44431832-T-G. GRCh37 (hg19) VCF-style: chr20-43060472-T-G.
Other names: c.*2167T>G (NM_000457.6, NM_001030003.3, NM_001258355.2 and 3 more transcripts).
Identifiers: ClinVar variation 338466 (VCV000338466.6), dbSNP rs886056687, ClinGen allele CA10653129.
Genomic context (GRCh38, chr20:44,431,832, plus strand): 5'-CTCTGAGTGGTTGGAGGCAGTGCCCCAGTGCCCAGAAATCCCACCATTAGTGATTGTTTT[T>G]TATGAGAAAGAGGCGTGGAGAAGTATTGGGGCAATGTGTCAGGGAGGAATCACCACATCC-3'